The following is an entry in ClinVar:

ClinVar aggregate classification (germline): Uncertain significance (1 of 4 stars; one submission).

Allele frequency attached by ClinVar (database versions not stated): gnomAD exomes below 0.00001.
gnomAD v4.1: 1 of 1,609,320 alleles (0.000062%); highest among the groups gnomAD compares: Non-Finnish European, 0.000085%; no homozygotes.

Submission:

GeneDx
Classification: Uncertain significance. Last evaluated: 2022-11-09. Review status: criteria provided, single submitter. Criteria: GeneDx Variant Classification Process June 2021. Collection method: clinical testing. Allele origin: germline. Affected: yes.
Comment: Not observed at significant frequency in large population cohorts (gnomAD); In silico analysis supports that this missense variant has a deleterious effect on protein structure/function; Has not been previously published as pathogenic or benign to our knowledge

NM_153676.4(USH1C):c.436A>G (p.Thr146Ala)

Gene: USH1C (USH1 protein network component harmonin; minus strand). Cytogenetic location: 11p15.1.
Variant type: single nucleotide variant.
Coding change: c.436A>G on transcript NM_153676.4 (MANE Select); coding-DNA position 436, A replaced by G.
Protein change: p.Thr146Ala; replaces threonine 146 with alanine.
Molecular consequence: missense variant. On other transcripts: non-coding transcript variant (1).
Genome position (GRCh38, 1-based): chr11:17,527,283, T>C on the plus strand (A>G on the coding strand, the complement: USH1C is on the minus strand). VCF-style: chr11-17527283-T-C. GRCh37 (hg19) VCF-style: chr11-17548830-T-C.
Other names: c.436A>G, p.Thr146Ala (NM_001297764.2, NM_005709.4); short protein forms T146A.
Identifiers: ClinVar variation 2502002 (VCV002502002.1), dbSNP rs1850745378, ClinGen allele CA379795268.